The following is an entry in ClinVar:

ClinVar aggregate classification (germline): Uncertain significance. Review status: criteria provided, multiple submitters, no conflicts (2 of 4 stars). 2 submissions from 2 submitters: Uncertain significance (2). Last evaluated 2024-05-31.

Conditions:
Jeune thoracic dystrophy. Also called: Short-rib thoracic dysplasia; Jeune syndrome; Infantile thoracic dystrophy; Thoracic pelvic phalangeal dystrophy; Jeune's syndrome; Chondroectodermal dysplasia-like syndrome. Identifiers: Orphanet 474, MedGen C0265275, MONDO:0018770.

Allele frequency attached by ClinVar (database versions not stated): gnomAD exomes 0.00002; TOPMed 0.00002; ExAC 0.00003; gnomAD 0.00003.
gnomAD v4.1: 40 of 1,600,938 alleles (0.0025%); highest among the groups gnomAD compares: Admixed American, 0.005%; no homozygotes.

Submissions (2):

Blueprint Genetics
Classification: Uncertain significance. Last evaluated: 2024-05-31. Review status: criteria provided, single submitter. Criteria: ACMG Guidelines, 2015. Collection method: clinical testing. Allele origin: germline.

Labcorp Genetics (formerly Invitae), Labcorp
Classification: Uncertain significance for Jeune thoracic dystrophy. Last evaluated: 2022-04-30. Review status: criteria provided, single submitter. Criteria: Invitae Variant Classification Sherloc (09022015). Collection method: clinical testing. Allele origin: germline.
Comment: This sequence change replaces cysteine, which is neutral and slightly polar, with tyrosine, which is neutral and polar, at codon 1772 of the DYNC2H1 protein (p.Cys1772Tyr). This variant is present in population databases (rs758398485, gnomAD 0.006%). This variant has not been reported in the literature in individuals affected with DYNC2H1-related conditions. Algorithms developed to predict the effect of missense changes on protein structure and function are either unavailable or do not agree on the potential impact of this missense change (SIFT: "Deleterious"; PolyPhen-2: "Possibly Damaging"; Align-GVGD: "Class C0"). Algorithms developed to predict the effect of sequence changes on RNA splicing suggest that this variant may disrupt the consensus splice site. In summary, the available evidence is currently insufficient to determine the role of this variant in disease. Therefore, it has been classified as a Variant of Uncertain Significance.

NM_001377.3(DYNC2H1):c.5315G>A (p.Cys1772Tyr)

Gene: DYNC2H1 (dynein cytoplasmic 2 heavy chain 1; plus strand). Cytogenetic location: 11q22.3.
Variant type: single nucleotide variant.
Coding change: c.5315G>A on transcript NM_001377.3 (MANE Select); coding-DNA position 5315, G replaced by A.
Protein change: p.Cys1772Tyr; replaces cysteine 1772 with tyrosine.
Molecular consequence: missense variant.
Genome position (GRCh38, 1-based): chr11:103,171,049, G>A. VCF-style: chr11-103171049-G-A. GRCh37 (hg19) VCF-style: chr11-103041778-G-A.
Other names: c.5315G>A, p.Cys1772Tyr (NM_001080463.2); short protein forms C1772Y.
Identifiers: ClinVar variation 1910766 (VCV001910766.3), dbSNP rs758398485, ClinGen allele CA6253736.